The following is an entry in ClinVar:

ClinVar aggregate classification (germline): Pathogenic. Review status: criteria provided, single submitter (1 of 4 stars). 3 submissions from 3 submitters: Pathogenic (1). 2 of the submissions do not count toward it. Last evaluated 2023-03-15.

Conditions:
Hereditary von Willebrand disease. Identifiers: Orphanet 903, MedGen C5703318, MONDO:0019565. Inheritance: Autosomal recessive or Autosomal dominant.
von Willebrand disease type 2 (VWD2). Also called: VON WILLEBRAND DISEASE, TYPE 2A/IIE; VON WILLEBRAND DISEASE, TYPE 2CB; VWD, TYPE 2; VON WILLEBRAND DISEASE, TYPE II. Identifiers: Orphanet 166081, Orphanet 903, MedGen C1264040, MONDO:0013304, OMIM 613554.

gnomAD v4.1: 1 of 1,613,956 alleles (0.000062%); highest among the groups gnomAD compares: Non-Finnish European, 0.000085%; no homozygotes.

Submissions (3):

Women's Health and Genetics/Laboratory Corporation of America, LabCorp
Classification: Pathogenic for von Willebrand disorder. Last evaluated: 2023-03-15. Review status: criteria provided, single submitter. Criteria: LabCorp Variant Classification Summary - May 2015. Collection method: clinical testing. Allele origin: germline.
Comment: Variant summary: VWF c.3917G>T (p.Arg1306Leu) results in a non-conservative amino acid change located in the von Willebrand factor, type A domain of the encoded protein sequence. Five of five in-silico tools predict a damaging effect of the variant on protein function. The variant was absent in 251092 control chromosomes. c.3917G>T has been reported in the literature in individuals affected with Von Willebrand Disease (e.g. Facey_1999, Caron_2006). These data indicate that the variant may be associated with disease. At least one publication reports experimental evidence evaluating an impact on protein function and this variant showed a similar multimer composition but exhibited binding to fixed platelets both in the presence and absence of ristocetin (Facey_1999). One clinical diagnostic laboratory has submitted clinical-significance assessments for this variant to ClinVar after 2014 without evidence for independent evaluation and classified the variant as pathogenic. In addition, other variants involving codon R1306 (p.R1306Q, p.R1306P, p.R1306W) have been reported to associate with Von Willebrand disease (HGMD, ClinVar). Based on the evidence outlined above, the variant was classified as pathogenic.

Angelo Bianchi Bonomi Hemophilia and Thrombosis Center, Fondazione IRCCS Ca Granda Ospedale Maggiore Policlinico
Classification: Pathogenic for von Willebrand disease type 2. Last evaluated: 2022-04-26. Review status: no assertion criteria provided. Collection method: clinical testing. Allele origin: germline. Affected: yes. Not counted in ClinVar's aggregate classification.

Academic Unit of Haematology, University of Sheffield
No classification provided. Review status: no classification provided. Collection method: not provided. Allele origin: not provided. Not counted in ClinVar's aggregate classification.

Literature cited by the submitters: PubMed 16704443 (cited by Women's Health and Genetics/Laboratory Corporation of America, LabCorp); PubMed 10233434 (cited by Women's Health and Genetics/Laboratory Corporation of America, LabCorp).

NM_000552.5(VWF):c.3917G>T (p.Arg1306Leu)

Gene: VWF (von Willebrand factor; minus strand). Cytogenetic location: 12p13.31.
Variant type: single nucleotide variant.
Coding change: c.3917G>T on transcript NM_000552.5 (MANE Select); coding-DNA position 3917, G replaced by T.
Protein change: p.Arg1306Leu; replaces arginine 1306 with leucine.
Molecular consequence: missense variant.
Genome position (GRCh38, 1-based): chr12:6,019,501, C>A on the plus strand (G>T on the coding strand, the complement: VWF is on the minus strand). VCF-style: chr12-6019501-C-A. GRCh37 (hg19) VCF-style: chr12-6128667-C-A.
Other names: c.3917G>T (NM_000552.4); short protein forms R1306L.
Identifiers: ClinVar variation 100301 (VCV000100301.3), dbSNP rs61749385, ClinGen allele CA228484.